The following is an entry in ClinVar:

ClinVar aggregate classification (germline): Uncertain significance (1 of 4 stars; one submission).

Conditions:
Familial porphyria cutanea tarda (PCT). Also called: PCT, ''FAMILIAL'' TYPE; PCT, TYPE II; PORPHYRIA CUTANEA TARDA, TYPE II; PORPHYRIA, HEPATOCUTANEOUS TYPE; UROD DEFICIENCY; UROPORPHYRINOGEN DECARBOXYLASE DEFICIENCY. Identifiers: Orphanet 101330, Orphanet 443062, MedGen C0268323, MONDO:0008296, OMIM 176100.

gnomAD v4.1: 16 of 1,614,082 alleles (0.00099%); highest among the groups gnomAD compares: South Asian, 0.0022%; no homozygotes.

Submission:

Juno Genomics, Hangzhou Juno Genomics, Inc
Classification: Uncertain significance for Familial porphyria cutanea tarda. Review status: criteria provided, single submitter. Criteria: ACMG Guidelines, 2015. Collection method: clinical testing. Allele origin: germline.
Comment: Absent from controls (or at extremely low frequency if recessive) in Genome Aggregation Database.

NM_000374.5(UROD):c.1085G>A (p.Arg362His)

Gene: UROD (uroporphyrinogen decarboxylase; plus strand). Cytogenetic location: 1p34.1.
Variant type: single nucleotide variant.
Coding change: c.1085G>A on transcript NM_000374.5 (MANE Select); coding-DNA position 1085, G replaced by A.
Protein change: p.Arg362His; replaces arginine 362 with histidine.
Molecular consequence: missense variant. On other transcripts: non-coding transcript variant (3).
Genome position (GRCh38, 1-based): chr1:45,015,479, G>A. VCF-style: chr1-45015479-G-A. GRCh37 (hg19) VCF-style: chr1-45481151-G-A.
Other names: short protein forms R362H.
Identifiers: ClinVar variation 5006684 (VCV005006684.2).